The following is an entry in ClinVar:

ClinVar aggregate classification (germline): Conflicting classifications of pathogenicity. Review status: criteria provided, conflicting classifications (1 of 4 stars). 4 submissions from 4 submitters: Uncertain significance (3); Benign (1). Last evaluated 2026-01-25.

Conditions:
Gorlin syndrome. Also called: Nevoid Basal Cell Carcinoma Syndrome; Basal cell nevus syndrome. Identifiers: Orphanet 377, MedGen C0004779, MONDO:0007187.
Medulloblastoma (MDB). Also called: MEDULLOBLASTOMA PREDISPOSITION SYNDROME; Medulloblastoma, somatic. Identifiers: Orphanet 616, MedGen C0025149, MeSH D008527, MONDO:0007959, OMIM 155255, HP:0002885.
Hereditary cancer-predisposing syndrome. Also called: Neoplastic Syndromes, Hereditary; Hereditary neoplastic syndrome; Hereditary Cancer Syndrome; Tumor predisposition. Identifiers: Orphanet 140162, MedGen C0027672, MeSH D009386, MONDO:0015356.

Allele frequency attached by ClinVar (database versions not stated): 1000 Genomes Project 30x 0.00016; 1000 Genomes Project 0.00020.
gnomAD v4.1: 49 of 1,614,080 alleles (0.003%); highest among the groups gnomAD compares: East Asian, 0.096%; no homozygotes.

Submissions (4):

Labcorp Genetics (formerly Invitae), Labcorp
Classification: Uncertain significance for Gorlin syndrome; Medulloblastoma. Last evaluated: 2026-01-25. Review status: criteria provided, single submitter. Criteria: Invitae Variant Classification Sherloc (09022015). Collection method: clinical testing. Allele origin: germline.
Comment: This sequence change replaces arginine, which is basic and polar, with leucine, which is neutral and non-polar, at codon 343 of the SUFU protein (p.Arg343Leu). This variant is present in population databases (rs79299301, gnomAD 0.03%). This variant has not been reported in the literature in individuals affected with SUFU-related conditions. ClinVar contains an entry for this variant (Variation ID: 656462). Invitae Evidence Modeling of protein sequence and biophysical properties (such as structural, functional, and spatial information, amino acid conservation, physicochemical variation, residue mobility, and thermodynamic stability) indicates that this missense variant is not expected to disrupt SUFU protein function with a negative predictive value of 80%. In summary, the available evidence is currently insufficient to determine the role of this variant in disease. Therefore, it has been classified as a Variant of Uncertain Significance.

Quest Diagnostics Nichols Institute San Juan Capistrano
Classification: Uncertain significance. Last evaluated: 2025-10-22. Review status: criteria provided, single submitter. Criteria: Quest Diagnostics criteria. Collection method: clinical testing. Allele origin: unknown.
Comment: The SUFU c.1028G>T (p.Arg343Leu) variant has been reported in the published literature in individuals with vertebral chordoma (PMID: 34070849 (2022) and testicular cancer (PMID: 33047348 (2021)). The frequency of this variant in the general population (Genome Aggregation Database) is higher than would generally be expected for pathogenic variants in this gene. Analysis of this variant using bioinformatics tools for the prediction of the effect of amino acid changes on protein structure and function yielded predictions that this variant is damaging. Based on the available information, we are unable to determine the clinical significance of this variant.

GeneDx
Classification: Uncertain significance. Last evaluated: 2024-05-31. Review status: criteria provided, single submitter. Criteria: GeneDx Variant Classification Process June 2021. Collection method: clinical testing. Allele origin: germline. Affected: yes.
Comment: In silico analysis indicates that this missense variant does not alter protein structure/function; Has not been previously published as pathogenic or benign to our knowledge; This variant is associated with the following publications: (PMID: 24311597)

Ambry Genetics
Classification: Benign for Hereditary cancer-predisposing syndrome. Last evaluated: 2023-10-03. Review status: criteria provided, single submitter. Criteria: Ambry Variant Classification Scheme 2023. Collection method: clinical testing. Allele origin: germline.

Literature cited by the submitters: PubMed 34070849 (cited by Quest Diagnostics Nichols Institute San Juan Capistrano); PubMed 33047348 (cited by Quest Diagnostics Nichols Institute San Juan Capistrano).

NM_016169.4(SUFU):c.1028G>T (p.Arg343Leu)

Gene: SUFU (SUFU negative regulator of hedgehog signaling; plus strand). Cytogenetic location: 10q24.32.
Variant type: single nucleotide variant.
Coding change: c.1028G>T on transcript NM_016169.4 (MANE Select); coding-DNA position 1028, G replaced by T.
Protein change: p.Arg343Leu; replaces arginine 343 with leucine.
Molecular consequence: missense variant.
Genome position (GRCh38, 1-based): chr10:102,615,273, G>T. VCF-style: chr10-102615273-G-T. GRCh37 (hg19) VCF-style: chr10-104375030-G-T.
Other names: c.1028G>T, p.Arg343Leu (NM_001178133.2); short protein forms R343L.
Identifiers: ClinVar variation 656462 (VCV000656462.15), dbSNP rs79299301, ClinGen allele CA5667864.